The following is an entry in ClinVar:

ClinVar aggregate classification (germline): Likely benign. Review status: criteria provided, multiple submitters, no conflicts (2 of 4 stars). 4 submissions from 4 submitters: Likely benign (3). 1 of the submissions does not count toward it. Last evaluated 2026-01-18.

Conditions:
Immunodeficiency, common variable, 4. Also called: ANTIBODY DEFICIENCY DUE TO BAFFR DEFECT. Identifiers: Orphanet 1572, Orphanet 696925, MedGen C3150739, MONDO:0013284, OMIM 613494.
TNFRSF13C-related disorder. Also called: TNFRSF13C-related condition.

Allele frequency attached by ClinVar (database versions not stated): gnomAD exomes 0.00008 and 0.00011; 1000 Genomes Project 0.00020; ExAC 0.00021; 1000 Genomes Project 30x 0.00094; gnomAD 0.00136 and 0.00147; TOPMed 0.00145.

Submissions (4):

Labcorp Genetics (formerly Invitae), Labcorp
Classification: Likely benign for Immunodeficiency, common variable, 4. Last evaluated: 2026-01-18. Review status: criteria provided, single submitter. Criteria: Invitae Variant Classification Sherloc (09022015). Collection method: clinical testing. Allele origin: germline.

CeGaT Center for Human Genetics Tuebingen
Classification: Likely benign. Last evaluated: 2024-07-01. Review status: criteria provided, single submitter. Criteria: CeGaT Center For Human Genetics Tuebingen Variant Classification Criteria Version 2. Collection method: clinical testing. Allele origin: germline. Affected: yes. Observed: 1 variant allele.
Comment: TNFRSF13C: BP4, BP7

ARUP Laboratories, Molecular Genetics and Genomics, ARUP Laboratories
Classification: Likely benign for Immunodeficiency, common variable, 4. Last evaluated: 2022-02-08. Review status: criteria provided, single submitter. Criteria: ARUP Molecular Germline Variant Investigation Process 2021. Collection method: clinical testing. Allele origin: germline.

PreventionGenetics, part of Exact Sciences
Classification: Likely benign for TNFRSF13C-related condition. Last evaluated: 2019-08-07. Review status: no assertion criteria provided. Collection method: clinical testing. Allele origin: germline. Not counted in ClinVar's aggregate classification.
Comment: This variant is classified as likely benign based on ACMG/AMP sequence variant interpretation guidelines (Richards et al. 2015 PMID: 25741868, with internal and published modifications).

NM_052945.4(TNFRSF13C):c.102C>T (p.Ala34=)

Genes: TNFRSF13C (TNF receptor superfamily member 13C; minus strand), LOC130067574 (ATAC-STARR-seq lymphoblastoid silent region 13813; plus strand). Cytogenetic location: 22q13.2.
Variant type: single nucleotide variant.
Coding change: c.102C>T on transcript NM_052945.4 (MANE Select); coding-DNA position 102, C replaced by T.
Protein change: p.Ala34=; no amino-acid change (alanine 34 retained).
Molecular consequence: synonymous variant.
Genome position (GRCh38, 1-based): chr22:41,926,672, G>A on the plus strand (C>T on the coding strand, the complement: TNFRSF13C is on the minus strand). VCF-style: chr22-41926672-G-A. GRCh37 (hg19) VCF-style: chr22-42322676-G-A.
Identifiers: ClinVar variation 786787 (VCV000786787.35), dbSNP rs567541615, ClinGen allele CA10262522.